The following is an entry in ClinVar:

ClinVar aggregate classification (germline): Uncertain significance (1 of 4 stars; one submission).

Conditions:
D-2-hydroxyglutaric aciduria 1 (D2HGA1). Identifiers: Orphanet 79315, MedGen C3152055, MONDO:0024554, OMIM 600721.

Submission:

Labcorp Genetics (formerly Invitae), Labcorp
Classification: Uncertain significance for D-2-hydroxyglutaric aciduria 1. Last evaluated: 2024-11-05. Review status: criteria provided, single submitter. Criteria: Invitae Variant Classification Sherloc (09022015). Collection method: clinical testing. Allele origin: germline.
Comment: This sequence change replaces glycine, which is neutral and non-polar, with asparagine, which is neutral and polar, at codon 35 of the D2HGDH protein (p.Gly35Asn). This variant is present in population databases (no rsID available, gnomAD 0.01%). This variant has not been reported in the literature in individuals affected with D2HGDH-related conditions. ClinVar contains an entry for this variant (Variation ID: 1375477). An algorithm developed to predict the effect of missense changes on protein structure and function (PolyPhen-2) suggests that this variant¬†is likely to be tolerated. In summary, the available evidence is currently insufficient to determine the role of this variant in disease. Therefore, it has been classified as a Variant of Uncertain Significance.

NM_152783.5(D2HGDH):c.103_104delinsAA (p.Gly35Asn)

Genes: D2HGDH (D-2-hydroxyglutarate dehydrogenase; plus strand), LOC129936032 (ATAC-STARR-seq lymphoblastoid silent region 12559; plus strand). Cytogenetic location: 2q37.3.
Variant type: Indel.
Coding change: c.103_104delinsAA on transcript NM_152783.5 (MANE Select); coding-DNA positions 103 to 104, GG replaced by AA.
Protein change: p.Gly35Asn; replaces glycine 35 with asparagine.
Molecular consequence: missense variant. On other transcripts: 5 prime UTR variant (1), non-coding transcript variant (1), intron variant (1).
Genome position (GRCh38, 1-based): chr2:241,735,327-241,735,328, GG replaced by AA. VCF-style: chr2-241735327-GG-AA. GRCh37 (hg19) VCF-style: chr2-242674742-GG-AA.
Other names: c.-442_-441delinsAA (NM_001352824.2); c.-111+632_-111+633delinsAA (NM_001287249.2); short protein forms G35N.
Identifiers: ClinVar variation 1375477 (VCV001375477.4), dbSNP rs2124995392, ClinGen allele CA2573135700.